The following is an entry in ClinVar:

ClinVar aggregate classification (germline): Uncertain significance (1 of 4 stars; one submission).

Conditions:
Neuropathy, hereditary sensory and autonomic, type 1C. Also called: HSAN IC; HSN IC. Identifiers: Orphanet 36386, MedGen C3150896, MONDO:0013337, OMIM 613640.

Submission:

MGZ Medical Genetics Center
Classification: Uncertain significance for Neuropathy, hereditary sensory and autonomic, type 1C. Last evaluated: 2022-01-03. Review status: criteria provided, single submitter. Criteria: ACMG Guidelines, 2015. Collection method: clinical testing. Allele origin: germline. Affected: yes. Observed: 1 variant allele.
Comment: ACMG criteria applied: PM2_SUP

NM_004863.4(SPTLC2):c.137A>C (p.His46Pro)

Gene: SPTLC2 (serine palmitoyltransferase long chain base subunit 2; minus strand). Cytogenetic location: 14q24.3.
Variant type: single nucleotide variant.
Coding change: c.137A>C on transcript NM_004863.4 (MANE Select); coding-DNA position 137, A replaced by C.
Protein change: p.His46Pro; replaces histidine 46 with proline.
Molecular consequence: missense variant.
Genome position (GRCh38, 1-based): chr14:77,597,376, T>G on the plus strand (A>C on the coding strand, the complement: SPTLC2 is on the minus strand). VCF-style: chr14-77597376-T-G. GRCh37 (hg19) VCF-style: chr14-78063719-T-G.
Other names: short protein forms H46P.
Identifiers: ClinVar variation 1709950 (VCV001709950.2), dbSNP rs2079853200, ClinGen allele CA390706918.